The following is an entry in ClinVar:

ClinVar aggregate classification (germline): Pathogenic (1 of 4 stars; one submission).

Conditions:
Joubert syndrome. Also called: Familial aplasia of the vermis; CEREBELLOPARENCHYMAL DISORDER IV; JOUBERT-BOLTSHAUSER SYNDROME. Identifiers: Orphanet 475, MedGen C5979921, MONDO:0018772.

Submission:

Labcorp Genetics (formerly Invitae), Labcorp
Classification: Pathogenic for Joubert syndrome. Last evaluated: 2020-10-23. Review status: criteria provided, single submitter. Criteria: Invitae Variant Classification Sherloc (09022015). Collection method: clinical testing. Allele origin: germline.
Comment: For these reasons, this variant has been classified as Pathogenic. This sequence change creates a premature translational stop signal (p.Leu125Hisfs*11) in the TMEM216 gene. While this is not anticipated to result in nonsense mediated decay, it is expected to disrupt the last 21 amino acid(s) of the TMEM216 protein. This variant is not present in population databases (ExAC no frequency). This variant has not been reported in the literature in individuals with TMEM216-related conditions. This variant disrupts the C-terminus of the TMEM216 protein. Other variant(s) that disrupt this region (p.Leu133*) have been determined to be pathogenic (PMID: 20512146). This suggests that variants that disrupt this region of the protein are likely to be causative of disease.

Literature cited by the submitters: PubMed 20512146.

NM_001173990.3(TMEM216):c.373_374insA (p.Leu125fs)

Gene: TMEM216 (transmembrane protein 216; plus strand). Cytogenetic location: 11q12.2.
Variant type: Insertion.
Coding change: c.373_374insA on transcript NM_001173990.3 (MANE Select); coding-DNA positions 373 to 374, A inserted.
Protein change: p.Leu125fs; shifts the reading frame from leucine 125.
Molecular consequence: frameshift variant.
Genome position: GRCh38 VCF-style: chr11-61397917-C-CA. GRCh37 (hg19) VCF-style: chr11-61165389-C-CA.
Other names: c.373_374insA, p.Leu125fs (NM_001173991.3); c.190_191insA, p.Leu64fs (NM_001330285.2, NM_016499.6); short protein forms L125fs, L64fs.
Identifiers: ClinVar variation 1070704 (VCV001070704.9), dbSNP rs2135196385, ClinGen allele CA2499221096.
Genomic context (GRCh38, chr11:61,397,917, plus strand): 5'-TATTACCTGCTGCTGCAGACCTACGTACTCCGCCTGGAAGCCATCATGAATGGCATCTTG[C>CA]TCTTCTTCTGTGGCTCAGAGCTTTTACTTGAGGTGCTCACCTTGGCTGCTTTCTCCAGGT-3'